The following is an entry in ClinVar:

NM_177531.6(PKHD1L1):c.1512G>A (p.Ser504=)

Gene: PKHD1L1 (PKHD1 like 1; plus strand). Cytogenetic location: 8q23.1.
Variant type: single nucleotide variant.
Coding change: c.1512G>A on transcript NM_177531.6 (MANE Select); coding-DNA position 1512, G replaced by A.
Protein change: p.Ser504=; no amino-acid change (serine 504 retained).
Molecular consequence: synonymous variant.
Genome position (GRCh38, 1-based): chr8:109,404,692, G>A. VCF-style: chr8-109404692-G-A. GRCh37 (hg19) VCF-style: chr8-110416921-G-A.
Identifiers: ClinVar variation 3349048 (VCV003349048.1).

ClinVar aggregate classification (germline): Likely benign (0 of 4 stars; one submission).

Conditions:
PKHD1L1-related disorder. Also called: PKHD1L1-related condition.

gnomAD v4.1: 3,210 of 1,604,858 alleles (0.2%); highest among the groups gnomAD compares: Non-Finnish European, 0.24%; 4 homozygotes.

Submission:

PreventionGenetics, part of Exact Sciences
Classification: Likely benign for PKHD1L1-related condition. Last evaluated: 2024-05-29. Review status: no assertion criteria provided. Collection method: clinical testing. Allele origin: germline.
Comment: This variant is classified as likely benign based on ACMG/AMP sequence variant interpretation guidelines (Richards et al. 2015 PMID: 25741868, with internal and published modifications).